The following is an entry in ClinVar:

NC_000020.11:g.44355632_44355633del

Gene: HNF4A (hepatocyte nuclear factor 4 alpha; plus strand). Cytogenetic location: 20q13.12.
Variant type: Deletion.
Genome position: GRCh38 VCF-style: chr20-44355630-CTT-C. GRCh37 (hg19) VCF-style: chr20-42984270-CTT-C.
Identifiers: ClinVar variation 4526409 (VCV004526409.2).

ClinVar aggregate classification (germline): Uncertain significance. Review status: reviewed by expert panel (3 of 4 stars). 2 submissions from 2 submitters: Uncertain significance (1). 1 of the submissions does not count toward it. Last evaluated 2025-10-13.

Conditions:
Monogenic diabetes. Identifiers: Orphanet 183625, MedGen C3888631, MONDO:0015967.

Submissions (2):

ClinGen Monogenic Diabetes Variant Curation Expert Panel
Classification: Uncertain significance for Monogenic diabetes. Last evaluated: 2025-10-13. Review status: reviewed by expert panel. Criteria: ClinGen Diabetes ACMG Specifications HNF4A V4.0.0. Collection method: curation. Allele origin: germline. Inheritance: Autosomal dominant inheritance.
Comment: The c.-173_-172del variant in the hepatocyte nuclear factor 4-alpha, HNF4A, is a two base pair deletion within the promoter of NM_175914.5. This variant is absent from gnomAD v2.1.1 and v4.1.0 (PM2_Supporting). This variant is located within the HNF1A/HNF1B binding domain (c.-170 to c.-173 and c.-178 to c.-181) of the HNF4A P2 promoter region, which is defined as critical for the protein’s function by the ClinGen MDEP. Given this is a deletion instead of a single nucleotide variant, and no experimental data are available, PM1_Supporting will be applied. In summary, c.-173_-172del meets the criteria to be classified as a variant of uncertain significance for monogenic diabetes. ACMG/AMP criteria applied, as specified by the ClinGen MDEP (specification version 4.0.0, approved 10/10/2025): PM1_Supporting, PM2_Supporting, PP4_Moderate.

GeneDx
Classification: Uncertain significance. Last evaluated: 2026-04-13. Review status: criteria provided, single submitter. Criteria: GeneDx Variant Classification Process June 2021. Collection method: clinical testing. Allele origin: germline. Not counted in ClinVar's aggregate classification.
Comment: No data available from control populations to assess the frequency of this variant; Located in a regulatory region; in the absence of functional studies, the actual effect of this sequence change is unknown; Has not been previously published as pathogenic or benign to our knowledge